The following is an entry in ClinVar:

ClinVar aggregate classification (germline): Pathogenic/Likely pathogenic. Review status: criteria provided, multiple submitters, no conflicts (2 of 4 stars). 3 submissions from 3 submitters: Pathogenic (1); Likely pathogenic (2). Last evaluated 2025-07-10.

Conditions:
Hypertrophic cardiomyopathy. Also called: HYPERTROPHIC MYOCARDIOPATHY. Identifiers: Orphanet 217569, MedGen C0007194, MeSH D002312, MONDO:0005045, HP:0001639.
Cardiovascular phenotype. Identifiers: MedGen CN230736.

Submissions (3):

Ambry Genetics
Classification: Likely pathogenic for Cardiovascular phenotype. Last evaluated: 2025-07-10. Review status: criteria provided, single submitter. Criteria: Ambry Variant Classification Scheme 2023. Collection method: clinical testing. Allele origin: germline.
Comment: The c.732+1G>C intronic variant results from a G to C substitution one nucleotide after coding exon 6 of the MYH7 gene. Alterations that disrupt the canonical splice site are expected to result in aberrant splicing. In silico splice site analysis predicts that this alteration will weaken the native splice donor site. A resulting transcript is predicted to be in-frame and is not expected to trigger nonsense-mediated mRNAdecay; although, direct evidence is unavailable. This variant was reported in individual(s) with features consistent with MYH7-related cardiomyopathy (Ambry internal data). Other variant(s) impacting the same donor site (c.732+1G>A) have been identified in individual(s) with features consistent with left ventricular noncompaction cardiomyopathy (LVNC) and segregated with disease in families (Klaassen S et al. Circulation, 2008 Jun;117:2893-901; Hoedemaekers YM et al. Ultrasound Obstet Gynecol, 2013 Mar;41:336-9). This variant is considered to be rare based on population cohorts in the Genome Aggregation Database (gnomAD). This nucleotide position is highly conserved in available vertebrate species. Based on the majority of available evidence to date, this variant is likely to be pathogenic.

ARUP Laboratories, Molecular Genetics and Genomics, ARUP Laboratories
Classification: Likely pathogenic. Last evaluated: 2023-04-20. Review status: criteria provided, single submitter. Criteria: ARUP Molecular Germline Variant Investigation Process 2024. Collection method: clinical testing. Allele origin: germline.
Comment: The MYH7 c.732+1G>C variant (rs730880850), to our knowledge, is not reported in the medical literature but is reported in ClinVar (Variation ID:849269). This variant is absent from the Genome Aggregation Database, indicating it is not a common polymorphism. Additionally, other changes at this splice site have been reported in two families with left ventricular noncompaction and in one individual with Ebstein anomaly and are considered to be disease causing (Klaassen 2008, Sicko 2016). This variant disrupts the canonical splice donor site of intron 8, which is likely to negatively impact gene function. Based on available information, this variant is considered to be likely pathogenic. References: Klaassen S et al. Mutations in sarcomere protein genes in left ventricular noncompaction. Circulation. 2008 Jun 3;117(22):2893-901. PMID: 18506004. Sicko RJ et al. Genetic Variants in Isolated Ebstein Anomaly Implicated in Myocardial Development Pathways. PLoS One. 2016 Oct 27;11(10):e0165174. PMID: 27788187.

Labcorp Genetics (formerly Invitae), Labcorp
Classification: Pathogenic for Hypertrophic cardiomyopathy. Last evaluated: 2020-10-08. Review status: criteria provided, single submitter. Criteria: Invitae Variant Classification Sherloc (09022015). Collection method: clinical testing. Allele origin: germline.
Comment: For these reasons, this variant has been classified as Pathogenic. Algorithms developed to predict the effect of sequence changes on RNA splicing suggest that this variant may disrupt the consensus splice site, but this prediction has not been confirmed by published transcriptional studies. Disruption of this splice site has been observed to segregate with left ventricular noncompaction in families (PMID: 18506004) and has been reported in an individual affected with Ebstein anomaly (PMID: 27788187). This variant is not present in population databases (ExAC no frequency). This sequence change affects a donor splice site in intron 8 of the MYH7 gene. It is expected to disrupt RNA splicing and likely results in an absent or disrupted protein product.

Literature cited by the submitters: PubMed 18506004 (cited by Ambry Genetics and Labcorp Genetics (formerly Invitae), Labcorp); PubMed 27788187 (cited by Ambry Genetics and Labcorp Genetics (formerly Invitae), Labcorp).

NM_000257.4(MYH7):c.732+1G>C

Gene: MYH7 (myosin heavy chain 7; minus strand). Cytogenetic location: 14q11.2.
Variant type: single nucleotide variant.
Coding change: c.732+1G>C on transcript NM_000257.4 (MANE Select); the canonical splice donor site of the intron after coding-DNA position 732, G replaced by C.
Molecular consequence: splice donor variant.
Genome position (GRCh38, 1-based): chr14:23,431,584, C>G on the plus strand (G>C on the coding strand, the complement: MYH7 is on the minus strand). VCF-style: chr14-23431584-C-G. GRCh37 (hg19) VCF-style: chr14-23900793-C-G.
Other names: c.732+1G>C (NM_001407004.1).
Identifiers: ClinVar variation 849269 (VCV000849269.11), dbSNP rs730880850, ClinGen allele CA389052168.